The following is an entry in ClinVar:

NM_194313.4(KIF24):c.1891G>A (p.Gly631Ser)

Gene: KIF24 (kinesin family member 24; minus strand). Cytogenetic location: 9p13.3.
Variant type: single nucleotide variant.
Coding change: c.1891G>A on transcript NM_194313.4 (MANE Select); coding-DNA position 1891, G replaced by A.
Protein change: p.Gly631Ser; replaces glycine 631 with serine.
Molecular consequence: missense variant.
Genome position (GRCh38, 1-based): chr9:34,257,716, C>T on the plus strand (G>A on the coding strand, the complement: KIF24 is on the minus strand). VCF-style: chr9-34257716-C-T. GRCh37 (hg19) VCF-style: chr9-34257714-C-T.
Other names: short protein forms G631S.
Identifiers: ClinVar variation 4543810 (VCV004543810.1).
Genomic context (GRCh38, chr9:34,257,716, plus strand): 5'-TTCCTTTCACAGGGCTAGCATGAATGACCCACTCTTGTGAAGGACTCCCTCTGGAGCCAC[C>T]CCTTTTACCAGAGACCTTAGGTGCAGAAGTAAAAGGAATGTTGGGTGGGTGGCTGGTCAG-3'
Protein context (NP_919289.2, residues 621-641): TSAPKVSGKR[Gly631Ser]GSRGSPSQEW

ClinVar aggregate classification (germline): Uncertain significance (1 of 4 stars; one submission).

gnomAD v4.1: 2 of 1,613,910 alleles (0.00012%); highest among the groups gnomAD compares: Admixed American, 0.0017%; no homozygotes.

Submission:

Ambry Genetics
Classification: Uncertain significance. Last evaluated: 2025-11-26. Review status: criteria provided, single submitter. Criteria: Ambry Variant Classification Scheme 2023. Collection method: clinical testing. Allele origin: germline.
Comment: The c.1891G>A (p.G631S) alteration is located in exon 11 (coding exon 10) of the KIF24 gene. This alteration results from a G to A substitution at nucleotide position 1891, causing the glycine (G) at amino acid position 631 to be replaced by a serine (S). Based on data from gnomAD, the A allele has an overall frequency of 0.001% (2/282472) total alleles studied. The highest observed frequency was 0.014% (1/7212) of Other alleles. Based on insufficient or conflicting evidence, the clinical significance of this alteration remains unclear.